The following is an entry in ClinVar:

ClinVar aggregate classification (germline): Uncertain significance (1 of 4 stars; one submission).

gnomAD v4.1: 4 of 1,613,058 alleles (0.00025%); highest among the groups gnomAD compares: South Asian, 0.0011%; no homozygotes.

Submission:

Labcorp Genetics (formerly Invitae), Labcorp
Classification: Uncertain significance. Last evaluated: 2025-06-23. Review status: criteria provided, single submitter. Criteria: Invitae Variant Classification Sherloc (09022015). Collection method: clinical testing. Allele origin: germline.
Comment: This sequence change replaces aspartic acid, which is acidic and polar, with asparagine, which is neutral and polar, at codon 1291 of the LRP5 protein (p.Asp1291Asn). This variant is present in population databases (no rsID available, gnomAD 0.0009%). This variant has not been reported in the literature in individuals affected with LRP5-related conditions. ClinVar contains an entry for this variant (Variation ID: 1960310). Invitae Evidence Modeling of protein sequence and biophysical properties (such as structural, functional, and spatial information, amino acid conservation, physicochemical variation, residue mobility, and thermodynamic stability) has been performed for this missense variant. However, the output from this modeling did not meet the statistical confidence thresholds required to predict the impact of this variant on LRP5 protein function. In summary, the available evidence is currently insufficient to determine the role of this variant in disease. Therefore, it has been classified as a Variant of Uncertain Significance.

NM_002335.4(LRP5):c.3871G>A (p.Asp1291Asn)

Gene: LRP5 (LDL receptor related protein 5; plus strand). Cytogenetic location: 11q13.2.
Variant type: single nucleotide variant.
Coding change: c.3871G>A on transcript NM_002335.4 (MANE Select); coding-DNA position 3871, G replaced by A.
Protein change: p.Asp1291Asn; replaces aspartic acid 1291 with asparagine.
Molecular consequence: missense variant.
Genome position (GRCh38, 1-based): chr11:68,433,709, G>A. VCF-style: chr11-68433709-G-A. GRCh37 (hg19) VCF-style: chr11-68201177-G-A.
Other names: c.2128G>A, p.Asp710Asn (NM_001291902.2); short protein forms D1291N, D710N.
Identifiers: ClinVar variation 1960310 (VCV001960310.5), dbSNP rs1008519514, ClinGen allele CA224250930.